The following is an entry in ClinVar:

ClinVar aggregate classification (germline): Uncertain significance (1 of 4 stars; one submission).

Submission:

Labcorp Genetics (formerly Invitae), Labcorp
Classification: Uncertain significance. Last evaluated: 2023-12-09. Review status: criteria provided, single submitter. Criteria: Invitae Variant Classification Sherloc (09022015). Collection method: clinical testing. Allele origin: germline.
Comment: This sequence change replaces proline, which is neutral and non-polar, with serine, which is neutral and polar, at codon 89 of the DMRT2 protein (p.Pro89Ser). This variant is not present in population databases (gnomAD no frequency). This variant has not been reported in the literature in individuals affected with DMRT2-related conditions. Algorithms developed to predict the effect of missense changes on protein structure and function output the following: SIFT: "Not Available"; PolyPhen-2: "Possibly Damaging"; Align-GVGD: "Not Available". The serine amino acid residue is found in multiple mammalian species, which suggests that this missense change does not adversely affect protein function. In summary, the available evidence is currently insufficient to determine the role of this variant in disease. Therefore, it has been classified as a Variant of Uncertain Significance.

NM_181872.6(DMRT2):c.265C>T (p.Pro89Ser)

Gene: DMRT2 (doublesex and mab-3 related transcription factor 2; plus strand). Cytogenetic location: 9p24.3.
Variant type: single nucleotide variant.
Coding change: c.265C>T on transcript NM_181872.6 (MANE Select); coding-DNA position 265, C replaced by T.
Protein change: p.Pro89Ser; replaces proline 89 with serine.
Molecular consequence: missense variant. On other transcripts: 5 prime UTR variant (1), non-coding transcript variant (1).
Genome position (GRCh38, 1-based): chr9:1,051,878, C>T. VCF-style: chr9-1051878-C-T. GRCh37 (hg19) VCF-style: chr9-1051878-C-T.
Other names: c.265C>T, p.Pro89Ser (NM_001130865.3, NM_001370531.1, NM_001370533.1 and 4 more transcripts); c.-386C>T (NM_001370532.1); short protein forms P89S.
Identifiers: ClinVar variation 2876324 (VCV002876324.3), dbSNP rs1441417494, ClinGen allele CA372773356.